The following is an entry in ClinVar:

NM_000548.5(TSC2):c.3185T>G (p.Val1062Gly)

Gene: TSC2 (TSC complex subunit 2; plus strand). Cytogenetic location: 16p13.3.
Variant type: single nucleotide variant.
Coding change: c.3185T>G on transcript NM_000548.5 (MANE Select); coding-DNA position 3185, T replaced by G.
Protein change: p.Val1062Gly; replaces valine 1062 with glycine.
Molecular consequence: missense variant. On other transcripts: non-coding transcript variant (5).
Genome position (GRCh38, 1-based): chr16:2,079,329, T>G. VCF-style: chr16-2079329-T-G. GRCh37 (hg19) VCF-style: chr16-2129330-T-G.
Other names: c.3053T>G, p.Val1018Gly (NM_001077183.3, NM_001370404.1, NM_001406665.1); c.3185T>G, p.Val1062Gly (NM_001114382.3); c.2945T>G, p.Val982Gly (NM_001318827.2); c.2909T>G, p.Val970Gly (NM_001318829.2); c.2453T>G, p.Val818Gly (NM_001318831.2, NM_001406687.1, NM_001406688.1); c.3086T>G, p.Val1029Gly (NM_001318832.2); c.3056T>G, p.Val1019Gly (NM_001363528.2, NM_001370405.1, NM_021055.3); c.3182T>G, p.Val1061Gly (NM_001406663.1, NM_001406664.1); and 18 more; short protein forms V1014G, V1018G, V1062G, V571G, V862G, V1012G, V1025G, V1029G.
Identifiers: ClinVar variation 2564689 (VCV002564689.2), dbSNP rs2151438305, ClinGen allele CA394285580.

ClinVar aggregate classification (germline): Uncertain significance (1 of 4 stars; one submission).

Conditions:
Hereditary cancer-predisposing syndrome. Also called: Neoplastic Syndromes, Hereditary; Hereditary Cancer Syndrome; Hereditary neoplastic syndrome; Tumor predisposition. Identifiers: Orphanet 140162, MedGen C0027672, MeSH D009386, MONDO:0015356.

Submission:

Ambry Genetics
Classification: Uncertain significance for Hereditary cancer-predisposing syndrome. Last evaluated: 2023-04-18. Review status: criteria provided, single submitter. Criteria: Ambry Variant Classification Scheme 2023. Collection method: clinical testing. Allele origin: germline.
Comment: The p.V1062G variant (also known as c.3185T>G), located in coding exon 27 of the TSC2 gene, results from a T to G substitution at nucleotide position 3185. The valine at codon 1062 is replaced by glycine, an amino acid with dissimilar properties. This amino acid position is conserved. In addition, this alteration is predicted to be deleterious by in silico analysis. Since supporting evidence is limited at this time, the clinical significance of this alteration remains unclear.